The following is an entry in ClinVar:

ClinVar aggregate classification (germline): Uncertain significance (1 of 4 stars; one submission).

Allele frequency attached by ClinVar (database versions not stated): gnomAD 0.00001; TOPMed 0.00001; ExAC 0.00002; gnomAD exomes 0.00002.
gnomAD v4.1: 25 of 1,603,904 alleles (0.0016%); highest among the groups gnomAD compares: Admixed American, 0.0034%; no homozygotes.

Submission:

Labcorp Genetics (formerly Invitae), Labcorp
Classification: Uncertain significance. Last evaluated: 2023-12-28. Review status: criteria provided, single submitter. Criteria: Invitae Variant Classification Sherloc (09022015). Collection method: clinical testing. Allele origin: germline.
Comment: This sequence change replaces proline, which is neutral and non-polar, with leucine, which is neutral and non-polar, at codon 604 of the ARHGAP24 protein (p.Pro604Leu). This variant is present in population databases (rs771805265, gnomAD 0.003%). This variant has not been reported in the literature in individuals affected with ARHGAP24-related conditions. An algorithm developed to predict the effect of missense changes on protein structure and function (PolyPhen-2) suggests that this variant is likely to be tolerated. In summary, the available evidence is currently insufficient to determine the role of this variant in disease. Therefore, it has been classified as a Variant of Uncertain Significance.

NM_001025616.3(ARHGAP24):c.1811C>T (p.Pro604Leu)

Gene: ARHGAP24 (Rho GTPase activating protein 24; plus strand). Cytogenetic location: 4q21.23.
Variant type: single nucleotide variant.
Coding change: c.1811C>T on transcript NM_001025616.3 (MANE Select); coding-DNA position 1811, C replaced by T.
Protein change: p.Pro604Leu; replaces proline 604 with leucine.
Molecular consequence: missense variant.
Genome position (GRCh38, 1-based): chr4:85,995,465, C>T. VCF-style: chr4-85995465-C-T. GRCh37 (hg19) VCF-style: chr4-86916618-C-T.
Other names: c.1526C>T, p.Pro509Leu (NM_001042669.2); c.1556C>T, p.Pro519Leu (NM_001287805.2); c.1232C>T, p.Pro411Leu (NM_001346093.2); c.1532C>T, p.Pro511Leu (NM_031305.3); short protein forms P411L, P519L, P509L, P511L, P604L.
Identifiers: ClinVar variation 2970565 (VCV002970565.3), dbSNP rs771805265, ClinGen allele CA2994803.
Genomic context (GRCh38, chr4:85,995,465, plus strand): 5'-TTGGGGGGAACTTTGAGGACCCTGTTTTGGATGGGCCCCCGCAGGACGACCTTTCCCACC[C>T]CAGGGACTATGAAAGCAAAAGTGACCACAGGAGTGTGGGAGGTCGAAGTAGTCGTGCCAC-3'
Protein context (NP_001020787.2, residues 594-614): DGPPQDDLSH[Pro604Leu]RDYESKSDHR